The following is an entry in ClinVar:

NM_020975.6(RET):c.2979C>A (p.Asp993Glu)

Gene: RET (ret proto-oncogene; plus strand). Cytogenetic location: 10q11.21.
Variant type: single nucleotide variant.
Coding change: c.2979C>A on transcript NM_020975.6 (MANE Select); coding-DNA position 2979, C replaced by A.
Protein change: p.Asp993Glu; replaces aspartic acid 993 with glutamic acid.
Molecular consequence: missense variant.
Genome position (GRCh38, 1-based): chr10:43,124,922, C>A. VCF-style: chr10-43124922-C-A. GRCh37 (hg19) VCF-style: chr10-43620370-C-A.
Other names: c.2691C>A, p.Asp897Glu (NM_001406766.1, NM_001406767.1, NM_001406770.1); c.2715C>A, p.Asp905Glu (NM_001406768.1); c.2583C>A, p.Asp861Glu (NM_001406769.1, NM_001406772.1); c.2541C>A, p.Asp847Glu (NM_001406771.1, NM_001406773.1); c.2454C>A, p.Asp818Glu (NM_001406774.1); c.2253C>A, p.Asp751Glu (NM_001406775.1, NM_001406776.1, NM_001406777.1 and 1 more transcripts); c.2082C>A, p.Asp694Glu (NM_001406779.1, NM_001406780.1, NM_001406781.1 and 1 more transcripts); c.1953C>A, p.Asp651Glu (NM_001406783.1, NM_001406786.1); and 10 more; short protein forms D558E, D663E, D694E, D751E, D847E, D905E, D948E, D510E.
Identifiers: ClinVar variation 1798359 (VCV001798359.2), dbSNP rs1368893442, ClinGen allele CA376558114.

ClinVar aggregate classification (germline): Uncertain significance (1 of 4 stars; one submission).

Conditions:
Hereditary cancer-predisposing syndrome. Also called: Neoplastic Syndromes, Hereditary; Tumor predisposition; Hereditary Cancer Syndrome; Hereditary neoplastic syndrome. Identifiers: Orphanet 140162, MedGen C0027672, MeSH D009386, MONDO:0015356.

Allele frequency attached by ClinVar (database versions not stated): gnomAD exomes below 0.00001.
gnomAD v4.1: 2 of 1,614,202 alleles (0.00012%); highest among the groups gnomAD compares: Non-Finnish European, 0.00017%; no homozygotes.

Submission:

Ambry Genetics
Classification: Uncertain significance for Hereditary cancer-predisposing syndrome. Last evaluated: 2022-10-30. Review status: criteria provided, single submitter. Criteria: Ambry Variant Classification Scheme 2023. Collection method: clinical testing. Allele origin: germline.
Comment: The p.D993E variant (also known as c.2979C>A), located in coding exon 18 of the RET gene, results from a C to A substitution at nucleotide position 2979. The aspartic acid at codon 993 is replaced by glutamic acid, an amino acid with highly similar properties. This amino acid position is conserved. In addition, this alteration is predicted to be tolerated by in silico analysis. Since supporting evidence is limited at this time, the clinical significance of this alteration remains unclear.